The following is an entry in ClinVar:

ClinVar aggregate classification (germline): Conflicting classifications of pathogenicity. Review status: criteria provided, conflicting classifications (1 of 4 stars). 2 submissions from 2 submitters: Likely pathogenic (1); Uncertain significance (1). Last evaluated 2023-04-04.

Conditions:
Tuberous sclerosis 2 (TSC2). Identifiers: Orphanet 805, MedGen C1860707, MONDO:0013199, OMIM 613254.
Hereditary cancer-predisposing syndrome. Also called: Neoplastic Syndromes, Hereditary; Tumor predisposition; Hereditary Cancer Syndrome; Hereditary neoplastic syndrome. Identifiers: Orphanet 140162, MedGen C0027672, MeSH D009386, MONDO:0015356.

Submissions (2):

Ambry Genetics
Classification: Uncertain significance for Hereditary cancer-predisposing syndrome. Last evaluated: 2023-04-04. Review status: criteria provided, single submitter. Criteria: Ambry Variant Classification Scheme 2023. Collection method: clinical testing. Allele origin: germline.
Comment: The p.E965* variant (also known as c.2893G>T), located in coding exon 25 of the TSC2 gene, results from a G to T substitution at nucleotide position 2893. This changes the amino acid from a glutamic acid to a stop codon within coding exon 25. Nonsense alterations are expected to result in loss of function by premature protein truncation or nonsense-mediated mRNA decay; however, this variant occurs in an exon that is excluded in biologically relevant transcripts (Ekong R et al. Hum. Mutat., 2016 Apr;37:364-70). Since supporting evidence is limited at this time, the clinical significance of this alteration remains unclear.

Juno Genomics, Hangzhou Juno Genomics, Inc
Classification: Likely pathogenic for Tuberous sclerosis 2. Review status: criteria provided, single submitter. Criteria: ACMG Guidelines, 2015. Collection method: clinical testing. Allele origin: germline.
Comment: Absent from controls (or at extremely low frequency if recessive) in Genome Aggregation Database.;Null variant in a gene where loss of function (LOF) is a known mechanism of disease.

NM_000548.5(TSC2):c.2893G>T (p.Glu965Ter)

Gene: TSC2 (TSC complex subunit 2; plus strand). Cytogenetic location: 16p13.3.
Variant type: single nucleotide variant.
Coding change: c.2893G>T on transcript NM_000548.5 (MANE Select); coding-DNA position 2893, G replaced by T.
Protein change: p.Glu965Ter; replaces glutamic acid 965 with a stop codon.
Molecular consequence: nonsense. On other transcripts: intron variant (31).
Genome position (GRCh38, 1-based): chr16:2,077,653, G>T. VCF-style: chr16-2077653-G-T. GRCh37 (hg19) VCF-style: chr16-2127654-G-T.
Other names: c.2893G>T, p.Glu965Ter (NM_001114382.3, NM_001406663.1, NM_001406664.1); c.2782G>T, p.Glu928Ter (NM_001406670.1); c.2746G>T, p.Glu916Ter (NM_001406675.1, NM_001406676.1); c.2293G>T, p.Glu765Ter (NM_001406680.1, NM_001406682.1, NM_001406683.1 and 1 more transcripts); c.1549G>T, p.Glu517Ter (NM_001406689.1); c.1493+1068G>T (NM_001406693.1, NM_001406690.1, NM_001406692.1 and 5 more transcripts); c.2927+1068G>T (NM_001406667.1, NM_001406668.1); c.2237+1068G>T (NM_001406687.1, NM_001406685.1, NM_001318831.2 and 2 more transcripts); and 8 more; short protein forms E928*, E765*, E916*, E965*, E517*.
Identifiers: ClinVar variation 2564628 (VCV002564628.5), dbSNP rs1372107115, ClinGen allele CA394281095.